The following is an entry in ClinVar:

ClinVar aggregate classification (germline): Likely benign (1 of 4 stars; one submission).

Allele frequency attached by ClinVar (database versions not stated): TOPMed 0.00008; gnomAD 0.00011; ESP Exome Variant Server 0.00015.
gnomAD v4.1: 34 of 1,559,540 alleles (0.0022%); highest among the groups gnomAD compares: African/African-American, 0.029%; no homozygotes.

Submission:

CeGaT Center for Human Genetics Tuebingen
Classification: Likely benign. Last evaluated: 2022-06-01. Review status: criteria provided, single submitter. Criteria: CeGaT Center For Human Genetics Tuebingen Variant Classification Criteria Version 2. Collection method: clinical testing. Allele origin: germline. Affected: yes. Observed: 1 variant allele.
Comment: SRGAP3: BP4, BP7

NM_014850.4(SRGAP3):c.2871C>T (p.Ala957=)

Gene: SRGAP3 (SLIT-ROBO Rho GTPase activating protein 3; minus strand). Cytogenetic location: 3p25.3.
Variant type: single nucleotide variant.
Coding change: c.2871C>T on transcript NM_014850.4 (MANE Select); coding-DNA position 2871, C replaced by T.
Protein change: p.Ala957=; no amino-acid change (alanine 957 retained).
Molecular consequence: synonymous variant.
Genome position (GRCh38, 1-based): chr3:8,990,527, G>A on the plus strand (C>T on the coding strand, the complement: SRGAP3 is on the minus strand). VCF-style: chr3-8990527-G-A. GRCh37 (hg19) VCF-style: chr3-9032211-G-A.
Other names: c.2799C>T, p.Ala933= (NM_001033117.3).
Identifiers: ClinVar variation 2653469 (VCV002653469.24), dbSNP rs138360684, ClinGen allele CA2237344.